The following is an entry in ClinVar:

NM_016341.4(PLCE1):c.1643G>T (p.Arg548Leu)

Gene: PLCE1 (phospholipase C epsilon 1; plus strand). Cytogenetic location: 10q23.33.
Variant type: single nucleotide variant.
Coding change: c.1643G>T on transcript NM_016341.4 (MANE Select); coding-DNA position 1643, G replaced by T.
Protein change: p.Arg548Leu; replaces arginine 548 with leucine.
Molecular consequence: missense variant.
Genome position (GRCh38, 1-based): chr10:94,171,330, G>T. VCF-style: chr10-94171330-G-T. GRCh37 (hg19) VCF-style: chr10-95931087-G-T.
Other names: c.719G>T, p.Arg240Leu (NM_001165979.2); c.1643G>T, p.Arg548Leu (NM_001288989.2); short protein forms R548L, R240L.
Identifiers: ClinVar variation 260712 (VCV000260712.25), dbSNP rs17417407, ClinGen allele CA5612431.

ClinVar aggregate classification (germline): Benign. Review status: criteria provided, multiple submitters, no conflicts (2 of 4 stars). 13 submissions from 13 submitters: Benign (11). 2 of the submissions do not count toward it. Last evaluated 2026-02-01.

Conditions:
Nephrotic syndrome, type 3 (NPHS3). Also called: NEPHROTIC SYNDROME, EARLY-ONSET, TYPE 3. Identifiers: Orphanet 656, MedGen C1853124, MONDO:0012546, OMIM 610725.
Focal segmental glomerulosclerosis (FSGS). Also called: Glomerulosclerosis, focal; Focal sclerosis with hyalinosis. Identifiers: MedGen C0017668, MONDO:0100313, HP:0000097. Disease mechanism: loss of function.

Allele frequency attached by ClinVar (database versions not stated): gnomAD 0.15541; TOPMed 0.17085; ESP Exome Variant Server 0.17173; 1000 Genomes Project 0.20108; 1000 Genomes Project 30x 0.20222.
gnomAD v4.1: 282,743 of 1,613,912 alleles (18%); highest among the groups gnomAD compares: South Asian, 31%; 26,323 homozygotes.

Submissions (13):

Labcorp Genetics (formerly Invitae), Labcorp
Classification: Benign. Last evaluated: 2026-02-01. Review status: criteria provided, single submitter. Criteria: Invitae Variant Classification Sherloc (09022015). Collection method: clinical testing. Allele origin: germline.

Blueprint Genetics
Classification: Benign. Last evaluated: 2024-11-27. Review status: criteria provided, single submitter. Criteria: ACMG Guidelines, 2015. Collection method: clinical testing. Allele origin: germline.

Unidad de Genómica Garrahan, Hospital de Pediatría Garrahan
Classification: Benign. Last evaluated: 2024-07-15. Review status: criteria provided, single submitter. Criteria: ACMG Guidelines, 2015. Collection method: clinical testing. Allele origin: germline. Affected: no. Observed: 21 variant alleles.
Comment: This variant is classified as Benign based on local population frequency. This variant was detected in 23% of patients studied in a panel designed for Epileptic and Developmental Encephalopathy and Progressive Myoclonus Epilepsy. Number of patients: 21. Only high quality variants are reported.

Mayo Clinic Laboratories, Mayo Clinic
Classification: Benign. Last evaluated: 2023-02-13. Review status: criteria provided, single submitter. Criteria: ACMG Guidelines, 2015. Collection method: clinical testing. Allele origin: germline. Observed: 42 variant alleles.
Comment: BA1, BS2, BP4

Genome Diagnostics Laboratory, The Hospital for Sick Children
Classification: Benign for Focal segmental glomerulosclerosis. Last evaluated: 2022-09-27. Review status: criteria provided, single submitter. Criteria: ACMG Guidelines, 2015. Collection method: clinical testing. Allele origin: germline.

GeneDx
Classification: Benign. Last evaluated: 2019-12-18. Review status: criteria provided, single submitter. Criteria: GeneDx Variant Classification Process June 2021. Collection method: clinical testing. Allele origin: germline. Affected: yes.
Comment: This variant is associated with the following publications: (PMID: 25060053, 31013750)

Illumina Laboratory Services, Illumina
Classification: Benign for Nephrotic syndrome, type 3. Last evaluated: 2018-01-13. Review status: criteria provided, single submitter. Criteria: ICSL Variant Classification Criteria 13 December 2019. Collection method: clinical testing. Allele origin: germline.
Comment: This variant was observed in the ICSL laboratory as part of a predisposition screen in an ostensibly healthy population. It had not been previously curated by ICSL or reported in the Human Gene Mutation Database (HGMD: prior to June 1st, 2018), and was therefore a candidate for classification through an automated scoring system. Utilizing variant allele frequency, disease prevalence and penetrance estimates, and inheritance mode, an automated score was calculated to assess if this variant is too frequent to cause the disease. Based on the score and internal cut-off values, a variant classified as benign is not then subjected to further curation. The score for this variant resulted in a classification of benign for this disease.

Athena Diagnostics
Classification: Benign. Last evaluated: 2017-03-20. Review status: criteria provided, single submitter. Criteria: Athena Diagnostics Criteria. Collection method: clinical testing. Allele origin: germline.

Genome Diagnostics Laboratory, University Medical Center Utrecht
Classification: Benign for Nephrotic syndrome, type 3. Last evaluated: 2014-10-09. Review status: criteria provided, single submitter. Criteria: ACGS Guidelines, 2013. Collection method: clinical testing. Allele origin: germline. Affected: yes. Study: VKGL Data-share Consensus.

Breakthrough Genomics
Classification: Benign. Review status: criteria provided, single submitter. Criteria: ACMG Guidelines, 2015. Collection method: not provided. Allele origin: germline. Inheritance: Autosomal recessive inheritance. Affected: yes.

PreventionGenetics, part of Exact Sciences
Classification: Benign. Review status: criteria provided, single submitter. Criteria: ACMG Guidelines, 2015. Collection method: clinical testing. Allele origin: germline.

Diagnostic Laboratory, Department of Genetics, University Medical Center Groningen
Classification: Benign for Nephrotic syndrome, type 3. Review status: no assertion criteria provided. Collection method: clinical testing. Allele origin: germline. Affected: yes. Study: VKGL Data-share Consensus. Not counted in ClinVar's aggregate classification.

Joint Genome Diagnostic Labs from Nijmegen and Maastricht, Radboudumc and MUMC+
Classification: Benign. Review status: no assertion criteria provided. Collection method: clinical testing. Allele origin: germline. Affected: yes. Study: VKGL Data-share Consensus. Not counted in ClinVar's aggregate classification.

Literature cited by the submitters: PubMed 25060053 (cited by Athena Diagnostics); PubMed 18975016 (cited by Athena Diagnostics); PubMed 20507940 (cited by Athena Diagnostics).